The following is an entry in ClinVar:

ClinVar aggregate classification (germline): Conflicting classifications of pathogenicity. Review status: criteria provided, conflicting classifications (1 of 4 stars). 2 submissions from 2 submitters: Uncertain significance (1); Likely benign (1). Last evaluated 2022-12-05.

Allele frequency attached by ClinVar (database versions not stated): gnomAD 0.00004; gnomAD exomes 0.00004; TOPMed 0.00004; ExAC 0.00005; ESP Exome Variant Server 0.00017.
gnomAD v4.1: 68 of 1,552,670 alleles (0.0044%); highest among the groups gnomAD compares: Middle Eastern, 0.017%; no homozygotes.

Submissions (2):

Blueprint Genetics
Classification: Likely benign. Last evaluated: 2022-12-05. Review status: criteria provided, single submitter. Criteria: ACMG Guidelines, 2015. Collection method: clinical testing. Allele origin: germline.

Labcorp Genetics (formerly Invitae), Labcorp
Classification: Uncertain significance. Last evaluated: 2022-08-05. Review status: criteria provided, single submitter. Criteria: Invitae Variant Classification Sherloc (09022015). Collection method: clinical testing. Allele origin: germline.
Comment: This sequence change falls in intron 5 of the COQ2 gene. It does not directly change the encoded amino acid sequence of the COQ2 protein. It affects a nucleotide within the consensus splice site. The frequency data for this variant in the population databases is considered unreliable, as metrics indicate poor data quality at this position in the gnomAD database. This variant has not been reported in the literature in individuals affected with COQ2-related conditions. Variants that disrupt the consensus splice site are a relatively common cause of aberrant splicing (PMID: 17576681, 9536098). Algorithms developed to predict the effect of sequence changes on RNA splicing suggest that this variant is not likely to affect RNA splicing. In summary, the available evidence is currently insufficient to determine the role of this variant in disease. Therefore, it has been classified as a Variant of Uncertain Significance.

Literature cited by the submitters: PubMed 17576681 (cited by Labcorp Genetics (formerly Invitae), Labcorp); PubMed 9536098 (cited by Labcorp Genetics (formerly Invitae), Labcorp).

NM_001358921.2(COQ2):c.762+6G>T

Gene: COQ2 (coenzyme Q2, polyprenyltransferase; minus strand). Cytogenetic location: 4q21.23.
Variant type: single nucleotide variant.
Coding change: c.762+6G>T on transcript NM_001358921.2 (MANE Select); 6 bases into the intron after coding-DNA position 762, G replaced by T.
Molecular consequence: intron variant.
Genome position (GRCh38, 1-based): chr4:83,269,854, C>A on the plus strand (G>T on the coding strand, the complement: COQ2 is on the minus strand). VCF-style: chr4-83269854-C-A. GRCh37 (hg19) VCF-style: chr4-84191007-C-A.
Other names: c.912+6G>T (NM_015697.9).
Identifiers: ClinVar variation 2045013 (VCV002045013.2), dbSNP rs370078530, ClinGen allele CA2988511.
Genomic context (GRCh38, chr4:83,269,854, plus strand): 5'-TCCTTAATTTGGTTCTTTAAAAACAGCAACAACTAAACCAAAGTTAAGAAAAGATAATTT[C>A]TTTACCTGATGGGCATAAATAGTATCATATATTAGTGTCCACATAACTCCAGAAAAATAA-3'